The following is an entry in ClinVar:

ClinVar aggregate classification (germline): Uncertain significance (1 of 4 stars; one submission).

Conditions:
Hereditary orotic aciduria, type 1. Also called: Orotic aciduria type 1; Oroticaciduria 1. Identifiers: MedGen C0268130.

Submission:

Labcorp Genetics (formerly Invitae), Labcorp
Classification: Uncertain significance for Hereditary orotic aciduria, type 1. Last evaluated: 2022-01-28. Review status: criteria provided, single submitter. Criteria: Invitae Variant Classification Sherloc (09022015). Collection method: clinical testing. Allele origin: germline.
Comment: Algorithms developed to predict the effect of missense changes on protein structure and function are either unavailable or do not agree on the potential impact of this missense change (SIFT: "Deleterious"; PolyPhen-2: "Probably Damaging"; Align-GVGD: "Class C0"). This sequence change replaces isoleucine, which is neutral and non-polar, with lysine, which is basic and polar, at codon 309 of the UMPS protein (p.Ile309Lys). This variant is not present in population databases (gnomAD no frequency). This variant has not been reported in the literature in individuals affected with UMPS-related conditions. In summary, the available evidence is currently insufficient to determine the role of this variant in disease. Therefore, it has been classified as a Variant of Uncertain Significance.

NM_000373.4(UMPS):c.926T>A (p.Ile309Lys)

Gene: UMPS (uridine monophosphate synthetase; plus strand). Cytogenetic location: 3q21.2.
Variant type: single nucleotide variant.
Coding change: c.926T>A on transcript NM_000373.4 (MANE Select); coding-DNA position 926, T replaced by A.
Protein change: p.Ile309Lys; replaces isoleucine 309 with lysine.
Molecular consequence: missense variant. On other transcripts: non-coding transcript variant (2).
Genome position (GRCh38, 1-based): chr3:124,738,183, T>A. VCF-style: chr3-124738183-T-A. GRCh37 (hg19) VCF-style: chr3-124457030-T-A.
Other names: short protein forms I309K.
Identifiers: ClinVar variation 2087043 (VCV002087043.4), dbSNP rs2481577608, ClinGen allele CA354278733.